The following is an entry in ClinVar:

NM_181426.2(CCDC39):c.2327dup (p.Glu777fs)

Genes: CCDC39 (coiled-coil domain 39 molecular ruler complex subunit; minus strand), TTC14 (tetratricopeptide repeat domain 14; plus strand). Cytogenetic location: 3q26.33.
Variant type: Duplication.
Coding change: c.2327dup on transcript NM_181426.2 (MANE Select); coding-DNA position 2327, one base duplicated (C; older notation c.2327dupC).
Protein change: p.Glu777fs; shifts the reading frame from glutamic acid 777.
Molecular consequence: frameshift variant. On other transcripts: intron variant (1).
Genome position (GRCh38, 1-based): chr3:180,616,905, G duplicated on the plus strand (C on the coding strand, the reverse complement: CCDC39 is on the minus strand). VCF-style (leftmost placement, unchanged base first): chr3-180616904-T-TG. GRCh37 (hg19) VCF-style: chr3-180334692-T-TG.
Other names: c.1775-475dup (NM_001288582.2); short protein forms E777fs.
Identifiers: ClinVar variation 963579 (VCV000963579.9), dbSNP rs1717268208, ClinGen allele CA1139658355.

ClinVar aggregate classification (germline): Pathogenic (1 of 4 stars; one submission).

Conditions:
Primary ciliary dyskinesia. Also called: Ciliary dyskinesia. Identifiers: Orphanet 244, MedGen C0008780, MONDO:0016575, HP:0012265.

Submission:

Labcorp Genetics (formerly Invitae), Labcorp
Classification: Pathogenic for Primary ciliary dyskinesia. Last evaluated: 2025-07-10. Review status: criteria provided, single submitter. Criteria: Invitae Variant Classification Sherloc (09022015). Collection method: clinical testing. Allele origin: germline.
Comment: This sequence change creates a premature translational stop signal (p.Glu777Argfs*11) in the CCDC39 gene. It is expected to result in an absent or disrupted protein product. Loss-of-function variants in CCDC39 are known to be pathogenic (PMID: 21131972, 23255504). This variant is not present in population databases (gnomAD no frequency). This variant has not been reported in the literature in individuals affected with CCDC39-related conditions. ClinVar contains an entry for this variant (Variation ID: 963579). For these reasons, this variant has been classified as Pathogenic.

Literature cited by the submitters: PubMed 21131972; PubMed 23255504.